The following is an entry in ClinVar:

NM_001081.4(CUBN):c.4459C>T (p.Arg1487Ter)

Gene: CUBN (cubilin; minus strand). Cytogenetic location: 10p13.
Variant type: single nucleotide variant.
Coding change: c.4459C>T on transcript NM_001081.4 (MANE Select); coding-DNA position 4459, C replaced by T.
Protein change: p.Arg1487Ter; replaces arginine 1487 with a stop codon.
Molecular consequence: nonsense.
Genome position (GRCh38, 1-based): chr10:16,984,171, G>A on the plus strand (C>T on the coding strand, the complement: CUBN is on the minus strand). VCF-style: chr10-16984171-G-A. GRCh37 (hg19) VCF-style: chr10-17026170-G-A.
Other names: short protein forms R1487*.
Identifiers: ClinVar variation 575738 (VCV000575738.13), dbSNP rs145661597, ClinGen allele CA5424383.

ClinVar aggregate classification (germline): Pathogenic/Likely pathogenic. Review status: criteria provided, multiple submitters, no conflicts (2 of 4 stars). 6 submissions from 6 submitters: Pathogenic (3); Likely pathogenic (2). 1 of the submissions does not count toward it. Last evaluated 2026-06-02.

Conditions:
Imerslund-Grasbeck syndrome type 1 (IGS1). Also called: Megaloblastic anemia 1, Finnish type; MEGALOBLASTIC ANEMIA, 1; Imerslund-Gräsbeck syndrome 1. Identifiers: MedGen C4016819, MONDO:0100156, OMIM 261100.
Proteinuria, chronic benign. Identifiers: MedGen C5394384, MONDO:0030042, OMIM 618884.
Imerslund-Grasbeck syndrome. Also called: ENTEROCYTE COBALAMIN MALABSORPTION; ENTEROCYTE INTRINSIC FACTOR RECEPTOR, DEFECT OF; Megaloblastic anemia due to inborn errors of metabolism; Imerslund-Gräsbeck syndrome; PERNICIOUS ANEMIA, JUVENILE, DUE TO SELECTIVE INTESTINAL MALABSORPTION OF VITAMIN B12, WITH PROTEINURIA. Identifiers: Orphanet 35858, MedGen C4551825, MONDO:0009853.

Allele frequency attached by ClinVar (database versions not stated): ExAC 0.00005; TOPMed 0.00011; ESP Exome Variant Server 0.00031; gnomAD 0.00016.
gnomAD v4.1: 161 of 1,614,008 alleles (0.01%); highest among the groups gnomAD compares: Non-Finnish European, 0.013%; 1 homozygote.

Submissions (6):

Women's Health and Genetics/Laboratory Corporation of America, LabCorp
Classification: Pathogenic for Imerslund-Grasbeck syndrome type 1. Last evaluated: 2026-06-02. Review status: criteria provided, single submitter. Criteria: LabCorp Variant Classification Summary - May 2015. Collection method: clinical testing. Allele origin: germline.
Comment: Variant summary: CUBN c.4459C>T (p.Arg1487X) results in a premature termination codon, predicted to cause a truncation of the encoded protein or absence of the protein due to nonsense mediated decay, which are commonly known mechanisms for disease. The variant allele was found at a frequency of 3.6e-05 in 251470 control chromosomes. c.4459C>T has been observed in an individual affected with CUBN-related early onset of chronic isolated proteinuria (Bedin_2020). To our knowledge, no experimental evidence demonstrating an impact on protein function has been reported. The following publication have been ascertained in the context of this evaluation (PMID: 31613795). ClinVar contains an entry for this variant (Variation ID: 575738). Based on the evidence outlined above, the variant was classified as pathogenic.

Labcorp Genetics (formerly Invitae), Labcorp
Classification: Pathogenic for Imerslund-Grasbeck syndrome. Last evaluated: 2025-10-11. Review status: criteria provided, single submitter. Criteria: Invitae Variant Classification Sherloc (09022015). Collection method: clinical testing. Allele origin: germline.
Comment: This sequence change creates a premature translational stop signal (p.Arg1487*) in the CUBN gene. It is expected to result in an absent or disrupted protein product. Loss-of-function variants in CUBN are known to be pathogenic (PMID: 15024727, 22929189, 25349199, 31613795, 34979989). This variant is present in population databases (rs145661597, gnomAD 0.01%). This variant has not been reported in the literature in individuals affected with CUBN-related conditions. ClinVar contains an entry for this variant (Variation ID: 575738). Algorithms developed to predict the effect of sequence changes on RNA splicing suggest that this variant may disrupt the consensus splice site. For these reasons, this variant has been classified as Pathogenic.

GeneDx
Classification: Likely pathogenic. Last evaluated: 2025-06-11. Review status: criteria provided, single submitter. Criteria: GeneDx Variant Classification Process June 2021. Collection method: clinical testing. Allele origin: germline.
Comment: Reported with a second variant (phase unknown) in a patient with renal disease in published literature (PMID: 31613795); Nonsense variant predicted to result in protein truncation or nonsense mediated decay in a gene for which loss of function is a known mechanism of disease; Not observed at significant frequency in large population cohorts (gnomAD); This variant is associated with the following publications: (PMID: 31613795, 25635822)

Fulgent Genetics
Classification: Pathogenic for Imerslund-Grasbeck syndrome type 1; Proteinuria, chronic benign. Last evaluated: 2024-04-02. Review status: criteria provided, single submitter. Criteria: ACMG Guidelines, 2015. Collection method: clinical testing. Allele origin: germline.

Department of Pathology and Laboratory Medicine, Sinai Health System
Classification: Likely pathogenic for Imerslund-Grasbeck syndrome type 1. Last evaluated: 2023-09-18. Review status: criteria provided, single submitter. Criteria: ACMG Guidelines, 2015. Collection method: research. Allele origin: germline.

Bioscientia Institut fuer Medizinische Diagnostik GmbH, Sonic Healthcare
Classification: Pathogenic for Imerslund-Grasbeck syndrome type 1. Last evaluated: 2019-03-26. Review status: no assertion criteria provided. Collection method: clinical testing. Allele origin: germline. Affected: yes. Not counted in ClinVar's aggregate classification.

Literature cited by the submitters: PubMed 31613795 (cited by Women's Health and Genetics/Laboratory Corporation of America, LabCorp and Labcorp Genetics (formerly Invitae), Labcorp); PubMed 15024727 (cited by Labcorp Genetics (formerly Invitae), Labcorp); PubMed 22929189 (cited by Labcorp Genetics (formerly Invitae), Labcorp); PubMed 25349199 (cited by Labcorp Genetics (formerly Invitae), Labcorp); PubMed 34979989 (cited by Labcorp Genetics (formerly Invitae), Labcorp).